The following is an entry in ClinVar:

ClinVar aggregate classification (germline): Pathogenic (1 of 4 stars; one submission).

Conditions:
Familial intrahepatic cholestasis. Identifiers: Orphanet 284385, MedGen CN296401, MONDO:0017290.

Submission:

Genomenon, Inc
Classification: Pathogenic for Familial intrahepatic cholestasis. Last evaluated: 2026-04-14. Review status: criteria provided, single submitter. Criteria: Genomenon Sequence Variant Interpretation Standards - Updated. Collection method: curation. Allele origin: germline. Affected: yes.
Comment: ABCB11 p.Lys700SerfsTer13 (c.2099del) is a frameshift variant that results in the production of a truncated protein which is predicted to undergo nonsense-mediated mRNA decay. This variant has been observed in at least one proband with an ABCB11-related disorder (PMID:16290310). It is absent or not present at a significant frequency in gnomAD. In conclusion, we classify ABCB11 p.Lys700SerfsTer13 (c.2099del) as a pathogenic variant.

Literature cited by the submitters: PubMed 16290310.

NM_003742.4(ABCB11):c.2099del (p.Lys700fs)

Gene: ABCB11 (ATP binding cassette subfamily B member 11; minus strand). Cytogenetic location: 2q31.1.
Variant type: Deletion.
Coding change: c.2099del on transcript NM_003742.4 (MANE Select); coding-DNA position 2099, one base deleted (A; older notation c.2099delA).
Protein change: p.Lys700fs; shifts the reading frame from lysine 700.
Molecular consequence: frameshift variant.
Genome position (GRCh38, 1-based): chr2:168,964,285, T deleted on the plus strand (A on the coding strand, the reverse complement: ABCB11 is on the minus strand); the first of 2 consecutive T bases (chr2:168,964,285-168,964,286); deleting either gives the same sequence. VCF-style (leftmost placement, unchanged base first): chr2-168964284-CT-C. GRCh37 (hg19) VCF-style: chr2-169820794-CT-C.
Other names: short protein forms K700fs.
Identifiers: ClinVar variation 4846069 (VCV004846069.1).